The following is an entry in ClinVar:

NM_014679.5(CEP57):c.304A>G (p.Ile102Val)

Gene: CEP57 (centrosomal protein 57; plus strand). Cytogenetic location: 11q21.
Variant type: single nucleotide variant.
Coding change: c.304A>G on transcript NM_014679.5 (MANE Select); coding-DNA position 304, A replaced by G.
Protein change: p.Ile102Val; replaces isoleucine 102 with valine.
Molecular consequence: missense variant.
Genome position (GRCh38, 1-based): chr11:95,813,033, A>G. VCF-style: chr11-95813033-A-G. GRCh37 (hg19) VCF-style: chr11-95546197-A-G.
Other names: c.277A>G, p.Ile93Val (NM_001243776.2); c.304A>G, p.Ile102Val (NM_001243777.2); c.223A>G, p.Ile75Val (NM_001363604.2); short protein forms I102V, I75V, I93V.
Identifiers: ClinVar variation 937085 (VCV000937085.13), dbSNP rs760541284, ClinGen allele CA6239430.
Genomic context (GRCh38, chr11:95,813,033, plus strand): 5'-CGCTTGGAACTTGAGAGGATTCAGGCAGAAGAAAGTGTGAAAACCTTGTCTAGAGAAACA[A>G]TTGAATATAAGAAAGTACTGGATGAACAGATACAAGAAAGGGAGAATTCAAAGAATGAGG-3'
Protein context (NP_055494.2, residues 92-112): ESVKTLSRET[Ile102Val]EYKKVLDEQI

ClinVar aggregate classification (germline): Uncertain significance. Review status: criteria provided, multiple submitters, no conflicts (2 of 4 stars). 2 submissions from 2 submitters: Uncertain significance (2). Last evaluated 2025-03-04.

Conditions:
Mosaic variegated aneuploidy syndrome 2 (MVA2). Identifiers: Orphanet 1052, MedGen C3279843, MONDO:0013582, OMIM 614114.
Inborn genetic diseases. Identifiers: MedGen C0950123, MeSH D030342.

Allele frequency attached by ClinVar (database versions not stated): ExAC 0.00002; gnomAD exomes 0.00002 and 0.00003.
gnomAD v4.1: 27 of 1,613,972 alleles (0.0017%); highest among the groups gnomAD compares: Middle Eastern, 0.05%; 1 homozygote.

Submissions (2):

Labcorp Genetics (formerly Invitae), Labcorp
Classification: Uncertain significance for Mosaic variegated aneuploidy syndrome 2. Last evaluated: 2025-03-04. Review status: criteria provided, single submitter. Criteria: Invitae Variant Classification Sherloc (09022015). Collection method: clinical testing. Allele origin: germline.
Comment: This sequence change replaces isoleucine, which is neutral and non-polar, with valine, which is neutral and non-polar, at codon 102 of the CEP57 protein (p.Ile102Val). This variant is present in population databases (rs760541284, gnomAD 0.006%). This variant has not been reported in the literature in individuals affected with CEP57-related conditions. ClinVar contains an entry for this variant (Variation ID: 937085). Invitae Evidence Modeling of protein sequence and biophysical properties (such as structural, functional, and spatial information, amino acid conservation, physicochemical variation, residue mobility, and thermodynamic stability) indicates that this missense variant is not expected to disrupt CEP57 protein function with a negative predictive value of 80%. In summary, the available evidence is currently insufficient to determine the role of this variant in disease. Therefore, it has been classified as a Variant of Uncertain Significance.

Ambry Genetics
Classification: Uncertain significance for Inborn genetic diseases. Last evaluated: 2024-12-06. Review status: criteria provided, single submitter. Criteria: Ambry Variant Classification Scheme 2023. Collection method: clinical testing. Allele origin: germline.
Comment: The p.I102V variant (also known as c.304A>G), located in coding exon 3 of the CEP57 gene, results from an A to G substitution at nucleotide position 304. The isoleucine at codon 102 is replaced by valine, an amino acid with highly similar properties. This amino acid position is conserved. In addition, this alteration is predicted to be tolerated by in silico analysis. Based on the available evidence, the clinical significance of this variant remains unclear.